The following is an entry in ClinVar:

ClinVar aggregate classification (germline): Uncertain significance. Review status: criteria provided, multiple submitters, no conflicts (2 of 4 stars). 3 submissions from 3 submitters: Uncertain significance (3). Last evaluated 2025-11-18.

Conditions:
MIRAGE syndrome. Also called: MYELODYSPLASIA, INFECTION, RESTRICTION OF GROWTH, ADRENAL HYPOPLASIA, GENITAL PHENOTYPES, AND ENTEROPATHY. Identifiers: Orphanet 494433, MedGen C4284088, MONDO:0014888, OMIM 617053.

Allele frequency attached by ClinVar (database versions not stated): ExAC 0.00002; gnomAD exomes 0.00002 and 0.00004; gnomAD 0.00009; TOPMed 0.00019; 1000 Genomes Project 30x 0.00031; 1000 Genomes Project 0.00040.
gnomAD v4.1: 58 of 1,613,738 alleles (0.0036%); highest among the groups gnomAD compares: Admixed American, 0.038%; no homozygotes.

Submissions (3):

Labcorp Genetics (formerly Invitae), Labcorp
Classification: Uncertain significance. Last evaluated: 2025-11-18. Review status: criteria provided, single submitter. Criteria: Invitae Variant Classification Sherloc (09022015). Collection method: clinical testing. Allele origin: germline.
Comment: This sequence change replaces phenylalanine, which is neutral and non-polar, with leucine, which is neutral and non-polar, at codon 1217 of the SAMD9 protein (p.Phe1217Leu). This variant is present in population databases (rs183833462, gnomAD 0.02%). This missense change has been observed in individual(s) with clinical features of SAMD9-related conditions (PMID: 34906475). ClinVar contains an entry for this variant (Variation ID: 1376031). Invitae Evidence Modeling of protein sequence and biophysical properties (such as structural, functional, and spatial information, amino acid conservation, physicochemical variation, residue mobility, and thermodynamic stability) has been performed for this missense variant. However, the output from this modeling did not meet the statistical confidence thresholds required to predict the impact of this variant on SAMD9 protein function. In summary, the available evidence is currently insufficient to determine the role of this variant in disease. Therefore, it has been classified as a Variant of Uncertain Significance.

GeneDx
Classification: Uncertain significance. Last evaluated: 2024-02-11. Review status: criteria provided, single submitter. Criteria: GeneDx Variant Classification Process June 2021. Collection method: clinical testing. Allele origin: germline.
Comment: In silico analysis supports that this missense variant has a deleterious effect on protein structure/function; Observed in individuals with ectopic mineralization (PMID: 34906475); This variant is associated with the following publications: (PMID: Hirvonen2019[thesis], 34906475)

St. Jude Molecular Pathology, St. Jude Children's Research Hospital
Classification: Uncertain significance for MIRAGE syndrome. Last evaluated: 2023-02-23. Review status: criteria provided, single submitter. Criteria: St. Jude Assertion Criteria 2020. Collection method: clinical testing. Allele origin: germline.
Comment: The SAMD9 c.3649T>C (p.Phe1217Leu) missense change has a maximum subpopulation frequency of 0.0087% in gnomAD v2.1.1. The in silico tool REVEL predicts a benign effect of this variant on protein function, however in silico predictions have not been found to correlate with syndromic risk for SAMD9 variants and are thus not considered supporting evidence of a pathogenic or benign effect (PMID: 34621053). To our knowledge, this variant has not been reported in individuals with SAMD9-associated conditions. In summary, the evidence currently available is insufficient to determine the clinical significance of this variant. It has therefore been classified as of uncertain significance.

Literature cited by the submitters: PubMed 34906475 (cited by Labcorp Genetics (formerly Invitae), Labcorp).

NM_017654.4(SAMD9):c.3649T>C (p.Phe1217Leu)

Gene: SAMD9 (sterile alpha motif domain containing 9; minus strand). Cytogenetic location: 7q21.2.
Variant type: single nucleotide variant.
Coding change: c.3649T>C on transcript NM_017654.4 (MANE Select); coding-DNA position 3649, T replaced by C.
Protein change: p.Phe1217Leu; replaces phenylalanine 1217 with leucine.
Molecular consequence: missense variant.
Genome position (GRCh38, 1-based): chr7:93,102,449, A>G on the plus strand (T>C on the coding strand, the complement: SAMD9 is on the minus strand). VCF-style: chr7-93102449-A-G. GRCh37 (hg19) VCF-style: chr7-92731762-A-G.
Other names: c.3649T>C, p.Phe1217Leu (NM_001193307.2); short protein forms F1217L.
Identifiers: ClinVar variation 1376031 (VCV001376031.7), dbSNP rs183833462, ClinGen allele CA4342670.